The following is an entry in ClinVar:

ClinVar aggregate classification (germline): Uncertain significance (1 of 4 stars; one submission).

Submission:

GeneDx
Classification: Uncertain significance. Last evaluated: 2022-12-19. Review status: criteria provided, single submitter. Criteria: GeneDx Variant Classification Process June 2021. Collection method: clinical testing. Allele origin: germline. Affected: yes.
Comment: Not observed at significant frequency in large population cohorts (gnomAD); In silico analysis supports that this missense variant does not alter protein structure/function; Has not been previously published as pathogenic or benign to our knowledge

NM_016120.4(RLIM):c.1250G>A (p.Ser417Asn)

Gene: RLIM (ring finger protein, LIM domain interacting; minus strand). Cytogenetic location: Xq13.2.
Variant type: single nucleotide variant.
Coding change: c.1250G>A on transcript NM_016120.4 (MANE Select); coding-DNA position 1250, G replaced by A.
Protein change: p.Ser417Asn; replaces serine 417 with asparagine.
Molecular consequence: missense variant.
Genome position (GRCh38, 1-based): chrX:74,592,065, C>T on the plus strand (G>A on the coding strand, the complement: RLIM is on the minus strand). VCF-style: chrX-74592065-C-T. GRCh37 (hg19) VCF-style: chrX-73811900-C-T.
Other names: c.1250G>A, p.Ser417Asn (NM_183353.3); short protein forms S417N.
Identifiers: ClinVar variation 2505771 (VCV002505771.1), dbSNP rs2519834221, ClinGen allele CA413660579.